The following is an entry in ClinVar:

NM_014743.3(KIAA0232):c.3350C>T (p.Ser1117Phe)

Gene: KIAA0232 (KIAA0232; plus strand). Cytogenetic location: 4p16.1.
Variant type: single nucleotide variant.
Coding change: c.3350C>T on transcript NM_014743.3 (MANE Select); coding-DNA position 3350, C replaced by T.
Protein change: p.Ser1117Phe; replaces serine 1117 with phenylalanine.
Molecular consequence: missense variant.
Genome position (GRCh38, 1-based): chr4:6,863,732, C>T. VCF-style: chr4-6863732-C-T. GRCh37 (hg19) VCF-style: chr4-6865459-C-T.
Other names: c.3350C>T, p.Ser1117Phe (NM_001100590.2); short protein forms S1117F.
Identifiers: ClinVar variation 4985958 (VCV004985958.1).

ClinVar aggregate classification (germline): Uncertain significance (1 of 4 stars; one submission).

Conditions:
KIAA0232-related disorder. Also called: KIAA0232-related condition.

Submission:

PreventionGenetics, part of Exact Sciences
Classification: Uncertain significance for KIAA0232-related condition. Last evaluated: 2026-01-22. Review status: criteria provided, single submitter. Criteria: ACMG Guidelines, 2015. Collection method: clinical testing. Allele origin: germline.
Comment: The KIAA0232 c.3350C>T variant is predicted to result in the amino acid substitution p.Ser1117Phe. To our knowledge, this variant has not been reported in the literature or in a large population database (gnomAD), indicating this variant is rare. At this time, the clinical significance of this variant is uncertain due to the absence of conclusive functional and genetic evidence.